The following is an entry in ClinVar:

NM_005591.4(MRE11):c.1843T>A (p.Ser615Thr)

Gene: MRE11 (MRE11 double strand break repair nuclease; minus strand). Cytogenetic location: 11q21.
Variant type: single nucleotide variant.
Coding change: c.1843T>A on transcript NM_005591.4 (MANE Select); coding-DNA position 1843, T replaced by A.
Protein change: p.Ser615Thr; replaces serine 615 with threonine.
Molecular consequence: missense variant. On other transcripts: intron variant (1).
Genome position (GRCh38, 1-based): chr11:94,445,834, A>T on the plus strand (T>A on the coding strand, the complement: MRE11 is on the minus strand). VCF-style: chr11-94445834-A-T. GRCh37 (hg19) VCF-style: chr11-94179000-A-T.
Other names: c.1840T>A, p.Ser614Thr (NM_001330347.2); c.1783+1385T>A (NM_005590.4); short protein forms S614T, S615T.
Identifiers: ClinVar variation 3912864 (VCV003912864.1).

ClinVar aggregate classification (germline): Uncertain significance (1 of 4 stars; one submission).

Conditions:
Hereditary cancer-predisposing syndrome. Also called: Hereditary Cancer Syndrome; Hereditary neoplastic syndrome; Neoplastic Syndromes, Hereditary; Tumor predisposition. Identifiers: Orphanet 140162, MedGen C0027672, MeSH D009386, MONDO:0015356.

Submission:

Ambry Genetics
Classification: Uncertain significance for Hereditary cancer-predisposing syndrome. Last evaluated: 2025-03-15. Review status: criteria provided, single submitter. Criteria: Ambry Variant Classification Scheme 2023. Collection method: clinical testing. Allele origin: germline.
Comment: The p.S615T variant (also known as c.1843T>A), located in coding exon 15 of the MRE11A gene, results from a T to A substitution at nucleotide position 1843. The serine at codon 615 is replaced by threonine, an amino acid with similar properties. This amino acid position is conserved. In addition, this alteration is predicted to be tolerated by in silico analysis. Based on the available evidence, the clinical significance of this variant remains unclear.